The following is an entry in ClinVar:

ClinVar aggregate classification (germline): Likely benign (1 of 4 stars; one submission).

Submission:

CeGaT Center for Human Genetics Tuebingen
Classification: Likely benign. Last evaluated: 2022-07-01. Review status: criteria provided, single submitter. Criteria: CeGaT Center For Human Genetics Tuebingen Variant Classification Criteria Version 2. Collection method: clinical testing. Allele origin: germline. Affected: yes. Observed: 1 variant allele.
Comment: BAG6: PM2:Supporting, BP4, BP7

NM_001387994.1(BAG6):c.2160C>A (p.Gly720=)

Gene: BAG6 (BAG cochaperone 6; minus strand). Cytogenetic location: 6p21.33.
Variant type: single nucleotide variant.
Coding change: c.2160C>A on transcript NM_001387994.1 (MANE Select); coding-DNA position 2160, C replaced by A.
Protein change: p.Gly720=; no amino-acid change (glycine 720 retained).
Molecular consequence: synonymous variant.
Genome position (GRCh38, 1-based): chr6:31,642,287, G>T on the plus strand (C>A on the coding strand, the complement: BAG6 is on the minus strand). VCF-style: chr6-31642287-G-T. GRCh37 (hg19) VCF-style: chr6-31610064-G-T.
Other names: c.2052C>A, p.Gly684= (NM_001098534.2, NM_001199698.2, NM_001387940.1 and 12 more transcripts); c.1674C>A, p.Gly558= (NM_001199697.2); c.1995C>A, p.Gly665= (NM_001387942.1, NM_001387963.1, NM_001388013.1); c.2160C>A, p.Gly720= (NM_001387943.1, NM_001387946.1, NM_001387954.1 and 7 more transcripts); c.1998C>A, p.Gly666= (NM_001387944.1, NM_001387964.1, NM_001387982.1 and 2 more transcripts); c.2049C>A, p.Gly683= (NM_001387949.1, NM_001387955.1, NM_001387987.1 and 4 more transcripts); c.2106C>A, p.Gly702= (NM_001387958.1, NM_001387991.1, NM_001387992.1); c.2157C>A, p.Gly719= (NM_001387983.1, NM_001387988.1, NM_001387993.1 and 5 more transcripts); and 5 more.
Identifiers: ClinVar variation 2656410 (VCV002656410.24), dbSNP rs2534859628, ClinGen allele CA449798158.